The following is an entry in ClinVar:

ClinVar aggregate classification (germline): Pathogenic (1 of 4 stars; one submission).

Conditions:
Hereditary cancer-predisposing syndrome. Also called: Hereditary Cancer Syndrome; Hereditary neoplastic syndrome; Neoplastic Syndromes, Hereditary; Tumor predisposition. Identifiers: Orphanet 140162, MedGen C0027672, MeSH D009386, MONDO:0015356.

Submission:

Ambry Genetics
Classification: Pathogenic for Hereditary cancer-predisposing syndrome. Last evaluated: 2026-07-01. Review status: criteria provided, single submitter. Criteria: Ambry Variant Classification Scheme 2023. Collection method: clinical testing. Allele origin: germline.
Comment: The c.883G>T pathogenic mutation (also known as p.E295*), located in coding exon 7 of the CHEK2 gene, results from a G to T substitution at nucleotide position 883. This changes the amino acid from a glutamic acid to a stop codon within coding exon 7. In silico splice site analysis predicts that this alteration will weaken the native splice donor site. RNA studies have demonstrated that this variant results in abnormal splicing in the set of samples tested (Ambry internal data; Sanoguera-Miralles L et al. J Pathol, 2024 Apr;262:395-409). This variant is considered to be rare based on population cohorts in the Genome Aggregation Database (gnomAD). This alteration is expected to result in loss of function by premature protein truncation or nonsense-mediated mRNA decay. As such, this alteration is interpreted as a disease-causing mutation.

Literature cited by the submitters: PubMed 38332730.

NM_007194.4(CHEK2):c.883G>T (p.Glu295Ter)

Gene: CHEK2 (checkpoint kinase 2; minus strand). Cytogenetic location: 22q12.1.
Variant type: single nucleotide variant.
Coding change: c.883G>T on transcript NM_007194.4 (MANE Select); coding-DNA position 883, G replaced by T.
Protein change: p.Glu295Ter; replaces glutamic acid 295 with a stop codon.
Molecular consequence: nonsense.
Genome position (GRCh38, 1-based): chr22:28,703,530, C>A on the plus strand (G>T on the coding strand, the complement: CHEK2 is on the minus strand). VCF-style: chr22-28703530-C-A. GRCh37 (hg19) VCF-style: chr22-29099518-C-A.
Other names: c.682G>T, p.Glu228Ter (NM_001349956.3); c.883G>T, p.Glu295Ter (NM_145862.3); c.1012G>T, p.Glu338Ter (NM_001005735.3); c.220G>T, p.Glu74Ter (NM_001257387.3); short protein forms E295*, E228*, E338*, E74*.
Identifiers: ClinVar variation 1764848 (VCV001764848.4), dbSNP rs1345979642, ClinGen allele CA411101094.
Genomic context (GRCh38, chr22:28,703,530, plus strand): 5'-TGGAAACAGAAATTTTTAAAAAGTTTACTACTTACAATTCCAAAACAATATAATAATCTT[C>A]TGCATCAAAAAAGTTTTTAATCTTGATGATGCAAGGCTAAGAAGAGGGGGAGAAAAAAGG-3'